The following is an entry in ClinVar:

ClinVar aggregate classification (germline): Conflicting classifications of pathogenicity. Review status: criteria provided, conflicting classifications (1 of 4 stars). 4 submissions from 4 submitters: Uncertain significance (1); Likely benign (3). Last evaluated 2025-09-12.

Conditions:
TTN-related disorder. Also called: TTN-related disorders; TTN-related condition; TTN-related disease.

Allele frequency attached by ClinVar (database versions not stated): gnomAD exomes 0.00001 and 0.00003; ExAC 0.00002; gnomAD 0.00009; TOPMed 0.00011.
gnomAD v4.1: 30 of 1,613,732 alleles (0.0019%); highest among the groups gnomAD compares: African/African-American, 0.029%; no homozygotes.

Submissions (4):

PreventionGenetics, part of Exact Sciences
Classification: Uncertain significance for TTN-related condition. Last evaluated: 2025-09-12. Review status: criteria provided, single submitter. Criteria: ACMG Guidelines, 2015. Collection method: clinical testing. Allele origin: germline.
Comment: The TTN c.93292G>A variant is predicted to result in the amino acid substitution p.Val31098Ile. To our knowledge, this variant has not been reported in the literature. This variant is reported in 0.025% of alleles in individuals of African descent in gnomAD. At this time, the clinical significance of this variant is uncertain due to the absence of conclusive functional and genetic evidence.

Revvity Omics, Revvity
Classification: Likely benign. Last evaluated: 2023-12-22. Review status: criteria provided, single submitter. Criteria: ACMG Guidelines, 2015. Collection method: clinical testing. Allele origin: germline.

GeneDx
Classification: Likely benign. Last evaluated: 2019-11-14. Review status: criteria provided, single submitter. Criteria: GeneDx Variant Classification Process June 2021. Collection method: clinical testing. Allele origin: germline. Affected: yes.

Laboratory for Molecular Medicine, Mass General Brigham Personalized Medicine
Classification: Likely benign. Last evaluated: 2015-10-22. Review status: criteria provided, single submitter. Criteria: LMM Criteria. Collection method: clinical testing. Allele origin: germline. Observed: 1 variant allele.
Comment: p.Val28530Ile in exon 288 of TTN: This variant is not expected to have clinical significance due to a lack of conservation across species, including mammals. Of note, >10 mammals have an isoleucine (Ile) at this position despite high nearby amino acid conservation. In addition, computational prediction tools do not sug gest a high likelihood of impact to the protein. This variant has been identifie d in 2/11566 Latino chromosomes and 1/9778 African chromosomes by the Exome Aggr egation Consortium (ExAC).

NM_001267550.2(TTN):c.93292G>A (p.Val31098Ile)

Genes: TTN-AS1 (TTN antisense RNA 1; plus strand), TTN (titin; minus strand). Cytogenetic location: 2q31.2.
Variant type: single nucleotide variant.
Coding change: c.93292G>A on transcript NM_001267550.2 (MANE Select); coding-DNA position 93292, G replaced by A.
Protein change: p.Val31098Ile; replaces valine 31098 with isoleucine.
Molecular consequence: missense variant.
Genome position (GRCh38, 1-based): chr2:178,548,334, C>T on the plus strand (G>A on the coding strand, the complement: TTN is on the minus strand). VCF-style: chr2-178548334-C-T. GRCh37 (hg19) VCF-style: chr2-179413061-C-T.
Other names: c.88369G>A, p.Val29457Ile (NM_001256850.1); c.66097G>A, p.Val22033Ile (NM_003319.4); c.66472G>A, p.Val22158Ile (NM_133432.3); c.66673G>A, p.Val22225Ile (NM_133437.4); c.85588G>A, p.Val28530Ile (NM_133378.4); short protein forms V28530I, V31098I, V22033I, V22158I, V29457I, V22225I.
Identifiers: ClinVar variation 228166 (VCV000228166.11), dbSNP rs760282296, ClinGen allele CA1987326.